The following is an entry in ClinVar:

ClinVar aggregate classification (germline): Pathogenic (1 of 4 stars; one submission).

Submission:

Labcorp Genetics (formerly Invitae), Labcorp
Classification: Pathogenic. Last evaluated: 2024-10-08. Review status: criteria provided, single submitter. Criteria: Invitae Variant Classification Sherloc (09022015). Collection method: clinical testing. Allele origin: germline.
Comment: This sequence change creates a premature translational stop signal (p.Leu1150Serfs*8) in the IMPG2 gene. It is expected to result in an absent or disrupted protein product. Loss-of-function variants in IMPG2 are known to be pathogenic (PMID: 20673862). This variant is not present in population databases (gnomAD no frequency). This variant has not been reported in the literature in individuals affected with IMPG2-related conditions. ClinVar contains an entry for this variant (Variation ID: 1074499). For these reasons, this variant has been classified as Pathogenic.

Literature cited by the submitters: PubMed 20673862.

NM_016247.4(IMPG2):c.3448del (p.Leu1150fs)

Gene: IMPG2 (interphotoreceptor matrix proteoglycan 2; minus strand). Cytogenetic location: 3q12.3.
Variant type: Deletion.
Coding change: c.3448del on transcript NM_016247.4 (MANE Select); coding-DNA position 3448, one base deleted (C; older notation c.3448delC).
Protein change: p.Leu1150fs; shifts the reading frame from leucine 1150.
Molecular consequence: frameshift variant.
Genome position (GRCh38, 1-based): chr3:101,229,565, G deleted on the plus strand (C on the coding strand, the reverse complement: IMPG2 is on the minus strand); the first of 2 consecutive G bases (chr3:101,229,565-101,229,566); deleting either gives the same sequence. VCF-style (leftmost placement, unchanged base first): chr3-101229564-AG-A. GRCh37 (hg19) VCF-style: chr3-100948408-AG-A.
Other names: short protein forms L1150fs.
Identifiers: ClinVar variation 1074499 (VCV001074499.7), dbSNP rs2107204142, ClinGen allele CA2499216336.